The following is an entry in ClinVar:

ClinVar aggregate classification (germline): Uncertain significance (1 of 4 stars; one submission).

Submission:

GeneDx
Classification: Uncertain significance. Last evaluated: 2024-10-30. Review status: criteria provided, single submitter. Criteria: GeneDx Variant Classification Process June 2021. Collection method: clinical testing. Allele origin: germline. Affected: yes.
Comment: Not observed at significant frequency in large population cohorts (gnomAD); In silico analysis indicates that this missense variant does not alter protein structure/function; Has not been previously published as pathogenic or benign to our knowledge

NM_000141.5(FGFR2):c.677A>G (p.Lys226Arg)

Gene: FGFR2 (fibroblast growth factor receptor 2; minus strand). Cytogenetic location: 10q26.13.
Variant type: single nucleotide variant.
Coding change: c.677A>G on transcript NM_000141.5 (MANE Select); coding-DNA position 677, A replaced by G.
Protein change: p.Lys226Arg; replaces lysine 226 with arginine.
Molecular consequence: missense variant. On other transcripts: non-coding transcript variant (1).
Genome position (GRCh38, 1-based): chr10:121,538,663, T>C on the plus strand (A>G on the coding strand, the complement: FGFR2 is on the minus strand). VCF-style: chr10-121538663-T-C. GRCh37 (hg19) VCF-style: chr10-123298177-T-C.
Other names: c.677A>G, p.Lys226Arg (NM_001144913.1, NM_001144914.1, NM_001144917.2 and 2 more transcripts); c.410A>G, p.Lys137Arg (NM_001144915.2, NM_001144919.2, NM_023029.3); c.332A>G, p.Lys111Arg (NM_001144916.2, NM_001144918.2); short protein forms K111R, K137R, K226R.
Identifiers: ClinVar variation 3897465 (VCV003897465.1).
Genomic context (GRCh38, chr10:121,538,663, plus strand): 5'-AGGTGGTACGTGTGATTGATGGACCCGTATTCATTCTCCACTACACAGGTATAATTTCCC[T>C]TGTCAGATGGGACCACACTTTCCATAATGAGGCTCCAGTGCTGGTTTCGTACCTGAAAAG-3'
Protein context (NP_000132.3, residues 216-236): LIMESVVPSD[Lys226Arg]GNYTCVVENE